The following is an entry in ClinVar:

NM_006206.6(PDGFRA):c.1914A>C (p.Lys638Asn)

Gene: PDGFRA (platelet derived growth factor receptor alpha; plus strand). Cytogenetic location: 4q12.
Variant type: single nucleotide variant.
Coding change: c.1914A>C on transcript NM_006206.6 (MANE Select); coding-DNA position 1914, A replaced by C.
Protein change: p.Lys638Asn; replaces lysine 638 with asparagine.
Molecular consequence: missense variant.
Genome position (GRCh38, 1-based): chr4:54,277,918, A>C. VCF-style: chr4-54277918-A-C. GRCh37 (hg19) VCF-style: chr4-55144085-A-C.
Other names: c.1914A>C, p.Lys638Asn (NM_001347827.2, NM_001347829.2); c.1989A>C, p.Lys663Asn (NM_001347828.2); c.1953A>C, p.Lys651Asn (NM_001347830.2); short protein forms K638N, K651N, K663N.
Identifiers: ClinVar variation 3225273 (VCV003225273.1), dbSNP rs2110311049, ClinGen allele CA356893610.

ClinVar aggregate classification (germline): Uncertain significance (1 of 4 stars; one submission).

Conditions:
Hereditary cancer-predisposing syndrome. Also called: Neoplastic Syndromes, Hereditary; Tumor predisposition; Hereditary neoplastic syndrome; Hereditary Cancer Syndrome. Identifiers: Orphanet 140162, MedGen C0027672, MeSH D009386, MONDO:0015356.

Submission:

Ambry Genetics
Classification: Uncertain significance for Hereditary cancer-predisposing syndrome. Last evaluated: 2024-03-11. Review status: criteria provided, single submitter. Criteria: Ambry Variant Classification Scheme 2023. Collection method: clinical testing. Allele origin: germline.
Comment: The p.K638N variant (also known as c.1914A>C), located in coding exon 13 of the PDGFRA gene, results from an A to C substitution at nucleotide position 1914. The lysine at codon 638 is replaced by asparagine, an amino acid with similar properties. This amino acid position is conserved. In addition, this alteration is predicted to be tolerated by in silico analysis. Based on the available evidence, the clinical significance of this alteration remains unclear.